The following is an entry in ClinVar:

NM_005245.4(FAT1):c.496A>G (p.Thr166Ala)

Gene: FAT1 (FAT atypical cadherin 1; minus strand). Cytogenetic location: 4q35.2.
Variant type: single nucleotide variant.
Coding change: c.496A>G on transcript NM_005245.4 (MANE Select); coding-DNA position 496, A replaced by G.
Protein change: p.Thr166Ala; replaces threonine 166 with alanine.
Molecular consequence: missense variant.
Genome position (GRCh38, 1-based): chr4:186,709,332, T>C on the plus strand (A>G on the coding strand, the complement: FAT1 is on the minus strand). VCF-style: chr4-186709332-T-C. GRCh37 (hg19) VCF-style: chr4-187630486-T-C.
Other names: short protein forms T166A.
Identifiers: ClinVar variation 1310790 (VCV001310790.2), dbSNP rs1172132616, ClinGen allele CA358991585.

ClinVar aggregate classification (germline): Uncertain significance (1 of 4 stars; one submission).

Allele frequency attached by ClinVar (database versions not stated): gnomAD exomes below 0.00001.
gnomAD v4.1: 1 of 1,614,014 alleles (0.000062%); highest among the groups gnomAD compares: South Asian, 0.0011%; no homozygotes.

Submission:

GeneDx
Classification: Uncertain significance. Last evaluated: 2019-12-02. Review status: criteria provided, single submitter. Criteria: GeneDx Variant Classification Process June 2021. Collection method: clinical testing. Allele origin: germline. Affected: yes.
Comment: Not observed in large population cohorts (Lek et al., 2016); In silico analysis, which includes protein predictors and evolutionary conservation, supports that this variant does not alter protein structure/function; Has not been previously published as pathogenic or benign to our knowledge; Variants in candidate genes are classified as variants of uncertain significance in accordance with ACMG guidelines (Richards et al., 2015)